The following is an entry in ClinVar:

ClinVar aggregate classification (germline): Uncertain significance (1 of 4 stars; one submission).

Allele frequency attached by ClinVar (database versions not stated): TOPMed below 0.00001.

Submission:

Labcorp Genetics (formerly Invitae), Labcorp
Classification: Uncertain significance. Last evaluated: 2023-07-28. Review status: criteria provided, single submitter. Criteria: Invitae Variant Classification Sherloc (09022015). Collection method: clinical testing. Allele origin: germline.
Comment: This sequence change replaces arginine, which is basic and polar, with cysteine, which is neutral and slightly polar, at codon 862 of the PDE3A protein (p.Arg862Cys). In summary, the available evidence is currently insufficient to determine the role of this variant in disease. Therefore, it has been classified as a Variant of Uncertain Significance. Experimental studies have shown that this missense change affects PDE3A function (PMID: 36259389). An algorithm developed to predict the effect of missense changes on protein structure and function (PolyPhen-2) suggests that this variant is likely to be disruptive. This missense change has been observed in individual(s) with hypertension and brachydactyly syndrome (PMID: 36259389). It has also been observed to segregate with disease in related individuals. This variant is not present in population databases (gnomAD no frequency).

Literature cited by the submitters: PubMed 36259389.

NM_000921.5(PDE3A):c.2584C>T (p.Arg862Cys)

Gene: PDE3A (phosphodiesterase 3A; plus strand). Cytogenetic location: 12p12.2.
Variant type: single nucleotide variant.
Coding change: c.2584C>T on transcript NM_000921.5 (MANE Select); coding-DNA position 2584, C replaced by T.
Protein change: p.Arg862Cys; replaces arginine 862 with cysteine.
Molecular consequence: missense variant.
Genome position (GRCh38, 1-based): chr12:20,648,706, C>T. VCF-style: chr12-20648706-C-T. GRCh37 (hg19) VCF-style: chr12-20801640-C-T.
Other names: c.1618C>T, p.Arg540Cys (NM_001244683.2, NM_001378409.1); c.2278C>T, p.Arg760Cys (NM_001378407.1); c.1621C>T, p.Arg541Cys (NM_001378408.1); short protein forms R540C, R541C, R760C, R862C.
Identifiers: ClinVar variation 2793896 (VCV002793896.3), dbSNP rs1944835888, ClinGen allele CA384084518.